The following is an entry in ClinVar:

ClinVar aggregate classification (germline): Uncertain significance. Review status: criteria provided, multiple submitters, no conflicts (2 of 4 stars). 2 submissions from 2 submitters: Uncertain significance (2). Last evaluated 2025-01-20.

Conditions:
Epileptic encephalopathy. Identifiers: MedGen C0543888, HP:0200134.

Allele frequency attached by ClinVar (database versions not stated): TOPMed 0.00003; gnomAD 0.00007; gnomAD exomes 0.00011; 1000 Genomes Project 30x 0.00016; ESP Exome Variant Server 0.00016; 1000 Genomes Project 0.00020; ExAC 0.00022.
gnomAD v4.1: 98 of 1,613,530 alleles (0.0061%); highest among the groups gnomAD compares: Non-Finnish European, 0.0055%; no homozygotes.

Submissions (2):

Ambry Genetics
Classification: Uncertain significance. Last evaluated: 2025-01-20. Review status: criteria provided, single submitter. Criteria: Ambry Variant Classification Scheme 2023. Collection method: clinical testing. Allele origin: germline.

Labcorp Genetics (formerly Invitae), Labcorp
Classification: Uncertain significance for Epileptic encephalopathy. Last evaluated: 2020-08-27. Review status: criteria provided, single submitter. Criteria: Invitae Variant Classification Sherloc (09022015). Collection method: clinical testing. Allele origin: germline.
Comment: This sequence change replaces glycine with aspartic acid at codon 1786 of the RYR3 protein (p.Gly1786Asp). The glycine residue is weakly conserved and there is a moderate physicochemical difference between glycine and aspartic acid. This variant is present in population databases (rs200938517, ExAC 0.04%). This variant has not been reported in the literature in individuals with RYR3-related conditions. Algorithms developed to predict the effect of missense changes on protein structure and function (SIFT, PolyPhen-2, Align-GVGD) all suggest that this variant is likely to be tolerated, but these predictions have not been confirmed by published functional studies and their clinical significance is uncertain. In summary, the available evidence is currently insufficient to determine the role of this variant in disease. Therefore, it has been classified as a Variant of Uncertain Significance.

NM_001036.6(RYR3):c.5357G>A (p.Gly1786Asp)

Gene: RYR3 (ryanodine receptor 3; plus strand). Cytogenetic location: 15q14.
Variant type: single nucleotide variant.
Coding change: c.5357G>A on transcript NM_001036.6 (MANE Select); coding-DNA position 5357, G replaced by A.
Protein change: p.Gly1786Asp; replaces glycine 1786 with aspartic acid.
Molecular consequence: missense variant.
Genome position (GRCh38, 1-based): chr15:33,662,887, G>A. VCF-style: chr15-33662887-G-A. GRCh37 (hg19) VCF-style: chr15-33955088-G-A.
Other names: c.5357G>A (NM_001036.3); c.5357G>A, p.Gly1786Asp (NM_001243996.4); short protein forms G1786D.
Identifiers: ClinVar variation 1016408 (VCV001016408.11), dbSNP rs200938517, ClinGen allele CA7459223.